The following is an entry in ClinVar:

NM_000168.6(GLI3):c.*2357T>A

Gene: GLI3 (GLI family zinc finger 3; minus strand). Cytogenetic location: 7p14.1.
Variant type: single nucleotide variant.
Coding change: c.*2357T>A on transcript NM_000168.6 (MANE Select); 2357 bases downstream of the stop codon, T replaced by A.
Molecular consequence: 3 prime UTR variant.
Genome position (GRCh38, 1-based): chr7:41,961,973, A>T on the plus strand (T>A on the coding strand, the complement: GLI3 is on the minus strand). VCF-style: chr7-41961973-A-T. GRCh37 (hg19) VCF-style: chr7-42001571-A-T.
Other names: NC_000007.13:g.42001571A>T.
Identifiers: ClinVar variation 360171 (VCV000360171.30), dbSNP rs562705224, ClinGen allele CA10623950.

ClinVar aggregate classification (germline): Benign/Likely benign. Review status: criteria provided, multiple submitters, no conflicts (2 of 4 stars). 4 submissions from 2 submitters: Benign (3); Likely benign (1). Last evaluated 2023-03-01.

Conditions:
Greig cephalopolysyndactyly syndrome (GCPS). Also called: GLI3-Related Greig Cephalopolysyndactyly Syndrome; POLYSYNDACTYLY WITH PECULIAR SKULL SHAPE; Greig syndrome. Identifiers: Orphanet 380, MedGen C0265306, MONDO:0008287, OMIM 175700.
Polydactyly. Also called: polydactylism. Identifiers: MedGen C0152427, MONDO:0021003, OMIM 603596, HP:0010442.
Pallister-Hall syndrome (PHS). Also called: HYPOTHALAMIC HAMARTOBLASTOMA, HYPOPITUITARISM, IMPERFORATE ANUS, AND POSTAXIAL POLYDACTYLY; GLI3-Related Pallister-Hall Syndrome. Identifiers: Orphanet 672, MedGen C0265220, MONDO:0007804, OMIM 146510.

Allele frequency attached by ClinVar (database versions not stated): 1000 Genomes Project 30x 0.00265; 1000 Genomes Project 0.00359; gnomAD 0.00055 and 0.00091; TOPMed 0.00072.

Submissions (5):

CeGaT Center for Human Genetics Tuebingen
Classification: Likely benign. Last evaluated: 2023-03-01. Review status: criteria provided, single submitter. Criteria: CeGaT Center For Human Genetics Tuebingen Variant Classification Criteria Version 2. Collection method: clinical testing. Allele origin: germline. Affected: yes. Observed: 1 variant allele.
Comment: GLI3: BS1

Illumina Laboratory Services, Illumina
Classification: Benign for Pallister-Hall syndrome. Last evaluated: 2018-01-13. Review status: criteria provided, single submitter. Criteria: ICSL Variant Classification Criteria 13 December 2019. Collection method: clinical testing. Allele origin: germline.
Comment: This variant was observed in the ICSL laboratory as part of a predisposition screen in an ostensibly healthy population. It had not been previously curated by ICSL or reported in the Human Gene Mutation Database (HGMD: prior to June 1st, 2018), and was therefore a candidate for classification through an automated scoring system. Utilizing variant allele frequency, disease prevalence and penetrance estimates, and inheritance mode, an automated score was calculated to assess if this variant is too frequent to cause the disease. Based on the score and internal cut-off values, a variant classified as benign is not then subjected to further curation. The score for this variant resulted in a classification of benign for this disease.

Illumina Laboratory Services, Illumina
Classification: Benign for Greig cephalopolysyndactyly syndrome. Last evaluated: 2018-01-13. Review status: criteria provided, single submitter. Criteria: ICSL Variant Classification Criteria 13 December 2019. Collection method: clinical testing. Allele origin: germline.
Comment: the same text as in the submission from Illumina Laboratory Services, Illumina above.

Illumina Laboratory Services, Illumina
Classification: Benign for Polydactyly. Last evaluated: 2018-01-13. Review status: criteria provided, single submitter. Criteria: ICSL Variant Classification Criteria 13 December 2019. Collection method: clinical testing. Allele origin: germline.
Comment: the same text as in the submission from Illumina Laboratory Services, Illumina above.

Dr. Peter K. Rogan Lab, Western University
No classification provided (evidence only). Condition: Ovarian serous cystadenocarcinoma. Review status: no classification provided. Collection method: in vitro. Allele origin: not applicable. Functional consequence: retained intron. Not counted in ClinVar's aggregate classification.